The following is an entry in ClinVar:

ClinVar aggregate classification (germline): Likely pathogenic. Review status: criteria provided, multiple submitters, no conflicts (2 of 4 stars). 2 submissions from 2 submitters: Likely pathogenic (2). Last evaluated 2025-01-09.

Conditions:
Autosomal recessive nonsyndromic hearing loss 49. Also called: Deafness, neurosensory, autosomal recessive 49. Identifiers: Orphanet 90636, MedGen C1857811, MONDO:0012420, OMIM 610153.

Submissions (2):

Institute of Rare Diseases, West China Hospital, Sichuan University
Classification: Likely pathogenic for Autosomal recessive nonsyndromic hearing loss 49. Last evaluated: 2025-01-09. Review status: criteria provided, single submitter. Criteria: ClinGen HL ACMG Specifications v1. Collection method: research. Allele origin: germline. Affected: yes.
Comment: PVS1;PM2_Supporting

Juno Genomics, Hangzhou Juno Genomics, Inc
Classification: Likely pathogenic for Autosomal recessive nonsyndromic hearing loss 49. Review status: criteria provided, single submitter. Criteria: ACMG Guidelines, 2015. Collection method: clinical testing. Allele origin: germline.
Comment: Null variant in a gene where loss of function (LOF) is a known mechanism of disease.;Absent from controls (or at extremely low frequency if recessive) in Genome Aggregation Database.

NM_001038603.3(MARVELD2):c.1123dup (p.Arg375fs)

Gene: MARVELD2 (MARVEL domain containing 2; plus strand). Cytogenetic location: 5q13.2.
Variant type: Duplication.
Coding change: c.1123dup on transcript NM_001038603.3 (MANE Select); coding-DNA position 1123, one base duplicated (A; older notation c.1123dupA).
Protein change: p.Arg375fs; shifts the reading frame from arginine 375.
Molecular consequence: frameshift variant.
Genome position (GRCh38, 1-based): chr5:69,420,508, A duplicated. VCF-style (leftmost placement, unchanged base first): chr5-69420507-T-TA. GRCh37 (hg19) VCF-style: chr5-68716334-T-TA.
Other names: c.1123dup, p.Arg375fs (NM_001244734.2); short protein forms R375fs.
Identifiers: ClinVar variation 3601224 (VCV003601224.3).